The following is an entry in ClinVar:

ClinVar aggregate classification (germline): Uncertain significance (1 of 4 stars; one submission).

Conditions:
Short-rib thoracic dysplasia 14 with polydactyly (SRTD14). Identifiers: Orphanet 397715, MedGen C4225286, MONDO:0014688, OMIM 616546.
Joubert syndrome 23 (JBTS23). Identifiers: Orphanet 475, MedGen C4084822, MONDO:0014664, OMIM 616490.

Submission:

Labcorp Genetics (formerly Invitae), Labcorp
Classification: Uncertain significance for Joubert syndrome 23; Short-rib thoracic dysplasia 14 with polydactyly. Last evaluated: 2024-05-06. Review status: criteria provided, single submitter. Criteria: Invitae Variant Classification Sherloc (09022015). Collection method: clinical testing. Allele origin: germline.
Comment: This sequence change replaces proline, which is neutral and non-polar, with threonine, which is neutral and polar, at codon 1253 of the KIAA0586 protein (p.Pro1253Thr). This variant is not present in population databases (gnomAD no frequency). This variant has not been reported in the literature in individuals affected with KIAA0586-related conditions. Advanced modeling of protein sequence and biophysical properties (such as structural, functional, and spatial information, amino acid conservation, physicochemical variation, residue mobility, and thermodynamic stability) performed at Invitae indicates that this missense variant is not expected to disrupt KIAA0586 protein function with a negative predictive value of 80%. In summary, the available evidence is currently insufficient to determine the role of this variant in disease. Therefore, it has been classified as a Variant of Uncertain Significance.

NM_001329943.3(KIAA0586):c.3598C>A (p.Pro1200Thr)

Gene: KIAA0586 (KIAA0586; plus strand). Cytogenetic location: 14q23.1.
Variant type: single nucleotide variant.
Coding change: c.3598C>A on transcript NM_001329943.3 (MANE Select); coding-DNA position 3598, C replaced by A.
Protein change: p.Pro1200Thr; replaces proline 1200 with threonine.
Molecular consequence: missense variant.
Genome position (GRCh38, 1-based): chr14:58,488,691, C>A. VCF-style: chr14-58488691-C-A. GRCh37 (hg19) VCF-style: chr14-58955409-C-A.
Other names: c.3757C>A, p.Pro1253Thr (NM_001244189.2); c.3553C>A, p.Pro1185Thr (NM_001244190.2); c.3343C>A, p.Pro1115Thr (NM_001244191.2, NM_001329945.2, NM_001364700.1 and 1 more transcripts); c.3466C>A, p.Pro1156Thr (NM_001244192.2); c.3178C>A, p.Pro1060Thr (NM_001244193.2); c.3598C>A, p.Pro1200Thr (NM_001329944.2, NM_001329946.2, NM_001329947.2); c.3370C>A, p.Pro1124Thr (NM_014749.5); short protein forms P1060T, P1115T, P1124T, P1156T, P1185T, P1200T, P1253T.
Identifiers: ClinVar variation 3755303 (VCV003755303.2).